The following is an entry in ClinVar:

NM_000051.4(ATM):c.4431C>T (p.Asn1477=)

Gene: ATM (ATM serine/threonine kinase; plus strand). Cytogenetic location: 11q22.3.
Variant type: single nucleotide variant.
Coding change: c.4431C>T on transcript NM_000051.4 (MANE Select); coding-DNA position 4431, C replaced by T.
Protein change: p.Asn1477=; no amino-acid change (asparagine 1477 retained).
Molecular consequence: synonymous variant.
Genome position (GRCh38, 1-based): chr11:108,289,796, C>T. VCF-style: chr11-108289796-C-T. GRCh37 (hg19) VCF-style: chr11-108160523-C-T.
Other names: c.4431C>T, p.Asn1477= (NM_001351834.2).
Identifiers: ClinVar variation 799717 (VCV000799717.11), dbSNP rs571989748, ClinGen allele CA476674063.

ClinVar aggregate classification (germline): Benign/Likely benign. Review status: criteria provided, multiple submitters, no conflicts (2 of 4 stars). 2 submissions from 2 submitters: Benign (1); Likely benign (1). Last evaluated 2024-05-17.

Conditions:
Familial cancer of breast. Also called: BREAST CANCER, FAMILIAL; Hereditary breast cancer; hereditary breast carcinoma. Identifiers: Orphanet 227535, MedGen C0346153, MONDO:0016419, OMIM 114480. Disease mechanism: loss of function.
Ataxia-telangiectasia syndrome (AT). Also called: Ataxia-telangiectasia, complementation group E; Ataxia-telangiectasia, complementation group D; Ataxia telangiectasia (A-T); LOUIS-BAR SYNDROME; ATAXIA-TELANGIECTASIA, COMPLEMENTATION GROUP A; ATAXIA-TELANGIECTASIA, FRESNO VARIANT. Identifiers: Orphanet 100, MedGen C0004135, MONDO:0008840, OMIM 208900.

Submissions (2):

Myriad Genetics, Inc.
Classification: Benign for Familial cancer of breast. Last evaluated: 2024-05-17. Review status: criteria provided, single submitter. Criteria: Myriad Autosomal Dominant, Autosomal Recessive and X-Linked Classification Criteria (2023). Collection method: clinical testing. Allele origin: unknown.
Comment: This variant is considered benign. This variant is a silent/synonymous amino acid change and it is not expected to impact splicing.

Labcorp Genetics (formerly Invitae), Labcorp
Classification: Likely benign for Ataxia-telangiectasia syndrome. Last evaluated: 2021-12-19. Review status: criteria provided, single submitter. Criteria: Invitae Variant Classification Sherloc (09022015). Collection method: clinical testing. Allele origin: germline.